The following is an entry in ClinVar:

NM_004380.3(CREBBP):c.6721C>G (p.Pro2241Ala)

Gene: CREBBP (CREB binding lysine acetyltransferase; minus strand). Cytogenetic location: 16p13.3.
Variant type: single nucleotide variant.
Coding change: c.6721C>G on transcript NM_004380.3 (MANE Select); coding-DNA position 6721, C replaced by G.
Protein change: p.Pro2241Ala; replaces proline 2241 with alanine.
Molecular consequence: missense variant.
Genome position (GRCh38, 1-based): chr16:3,728,326, G>C on the plus strand (C>G on the coding strand, the complement: CREBBP is on the minus strand). VCF-style: chr16-3728326-G-C. GRCh37 (hg19) VCF-style: chr16-3778327-G-C.
Other names: c.6607C>G, p.Pro2203Ala (NM_001079846.1); short protein forms P2203A, P2241A.
Identifiers: ClinVar variation 3354013 (VCV003354013.1).
Genomic context (GRCh38, chr16:3,728,326, plus strand): 5'-TGGAGCTGCCCTGGAGGGGGAGATGCTGCTGCATGCGCTGCTGCTGCTGCATGGCCGGTG[G>C]GTAGCCTCCGGGTCCTTGAGGCTGCTGGAACTGGCCGTGCCCCGCCATGCCCCCAGCCAT-3'
Protein context (NP_004371.2, residues 2231-2251): FQQPQGPGGY[Pro2241Ala]PAMQQQQRMQ

ClinVar aggregate classification (germline): Uncertain significance (0 of 4 stars; one submission).

Conditions:
CREBBP-related disorder. Also called: CREBBP-related condition; CREBBP-related disorders.

gnomAD v4.1: 11 of 1,612,460 alleles (0.00068%); highest among the groups gnomAD compares: African/African-American, 0.004%; no homozygotes.

Submission:

PreventionGenetics, part of Exact Sciences
Classification: Uncertain significance for CREBBP-related condition. Last evaluated: 2024-05-27. Review status: no assertion criteria provided. Collection method: clinical testing. Allele origin: germline.
Comment: The CREBBP c.6721C>G variant is predicted to result in the amino acid substitution p.Pro2241Ala. To our knowledge, this variant has not been reported in the literature. This variant is reported in 0.0082% of alleles in individuals of African descent in gnomAD. At this time, the clinical significance of this variant is uncertain due to the absence of conclusive functional and genetic evidence.